The following is an entry in ClinVar:

NM_000138.5(FBN1):c.6997+10G>C

Gene: FBN1 (fibrillin 1; minus strand). Cytogenetic location: 15q21.1.
Variant type: single nucleotide variant.
Coding change: c.6997+10G>C on transcript NM_000138.5 (MANE Select); 10 bases into the intron after coding-DNA position 6997, G replaced by C.
Molecular consequence: intron variant.
Genome position (GRCh38, 1-based): chr15:48,428,336, C>G on the plus strand (G>C on the coding strand, the complement: FBN1 is on the minus strand). VCF-style: chr15-48428336-C-G. GRCh37 (hg19) VCF-style: chr15-48720533-C-G.
Identifiers: ClinVar variation 917588 (VCV000917588.1), dbSNP rs2042997079, ClinGen allele CA1139663925.
Genomic context (GRCh38, chr15:48,428,336, plus strand): 5'-AGAAGTCTGGGTTTCCAGCATCCCAGTGTGGAGGCTGAGGTTAGGAAAGTGCGGTGCCAA[C>G]TGTACTCACCAAGGCACTCGTCCTGGTTGGGGCTGGCGGTAAACCCATCATTACACTCAC-3'

ClinVar aggregate classification (germline): Uncertain significance (1 of 4 stars; one submission).

Submission:

Women's Health and Genetics/Laboratory Corporation of America, LabCorp
Classification: Uncertain significance. Last evaluated: 2020-01-27. Review status: criteria provided, single submitter. Criteria: LabCorp Variant Classification Summary - May 2015. Collection method: clinical testing. Allele origin: germline.
Comment: Variant summary: FBN1 c.6997+10G>C alters a non-conserved nucleotide located close to a canonical splice site and therefore could affect mRNA splicing, leading to a significantly altered protein sequence. 4/4 computational tools predict no significant impact on normal splicing. However, these predictions have yet to be confirmed by functional studies. The variant was absent in 251074 control chromosomes (gnomAD). The available data on variant occurrences in the general population are insufficient to allow any conclusion about variant significance. To our knowledge, no occurrence of c.6997+10G>C in individuals affected with Marfan Syndrome and no experimental evidence demonstrating its impact on protein function have been reported. No clinical diagnostic laboratories have submitted clinical-significance assessments for this variant to ClinVar after 2014. Based on the evidence outlined above, the variant was classified as uncertain significance.